The following is an entry in ClinVar:

ClinVar aggregate classification (germline): Pathogenic (1 of 4 stars; one submission).

Conditions:
Beck-Fahrner syndrome (BEFAHRS). Identifiers: Orphanet 684216, MedGen C5394097, MONDO:0032922, OMIM 618798.

Submission:

3billion
Classification: Pathogenic for Beck-Fahrner syndrome. Last evaluated: 2021-10-02. Review status: criteria provided, single submitter. Criteria: ACMG Guidelines, 2015. Collection method: clinical testing. Allele origin: germline. Affected: yes. Observed: 1 heterozygote.
Comment: Frameshift: predicted to result in a loss or disruption of normal protein function through nonsense-mediated decay (NMD) or protein truncation. Multiple pathogenic variants are reported downstream of the variant (PVS1_VS). The variant was observed as assumed (i.e. paternity and maternity not confirmed) de novoo (3billion dataset, PM6). It is not observed in the gnomAD v2.1.1 dataset (PM2). Therefore, this variant is classified as pathogenic according to the recommendation of ACMG/AMP guideline.

NM_001287491.2(TET3):c.2161_2183dup (p.Ser729fs)

Gene: TET3 (tet methylcytosine dioxygenase 3; plus strand). Cytogenetic location: 2p13.1.
Variant type: Duplication.
Coding change: c.2161_2183dup on transcript NM_001287491.2 (MANE Select); coding-DNA positions 2161 to 2183, 23 bases duplicated (AGCTTTGGGCTTCCCGGCCCCCC).
Protein change: p.Ser729fs; shifts the reading frame from serine 729.
Molecular consequence: frameshift variant.
Genome position (GRCh38, 1-based): chr2:74,048,078-74,048,100, AGCTTTGGGCTTCCCGGCCCCCC duplicated. VCF-style (leftmost placement, unchanged base first): chr2-74048077-T-TAGCTTTGGGCTTCCCGGCCCCCC. GRCh37 (hg19) VCF-style: chr2-74275204-T-TAGCTTTGGGCTTCCCGGCCCCCC.
Other names: c.1882_1904dup, p.Ser636fs (NM_001366022.1); short protein forms S636fs, S729fs.
Identifiers: ClinVar variation 1320151 (VCV001320151.1), dbSNP rs2103698244, ClinGen allele CA2573052027.